The following is an entry in ClinVar:

ClinVar aggregate classification (germline): Uncertain significance (1 of 4 stars; one submission).

Submission:

Labcorp Genetics (formerly Invitae), Labcorp
Classification: Uncertain significance. Last evaluated: 2021-09-17. Review status: criteria provided, single submitter. Criteria: Invitae Variant Classification Sherloc (09022015). Collection method: clinical testing. Allele origin: germline.
Comment: In summary, the available evidence is currently insufficient to determine the role of this variant in disease. Therefore, it has been classified as a Variant of Uncertain Significance. This variant has not been reported in the literature in individuals affected with WARS2-related conditions. This variant is a gross deletion of the genomic region encompassing exon(s) 1-2 of the WARS2 gene, which includes the initiator codon. This deletion extends beyond the assayed region for this gene and therefore may encompass additional genes. It is expected to result in an absent or disrupted protein product. However, the current clinical and genetic evidence is not sufficient to establish whether loss-of-function variants in WARS2 cause disease.

NC_000001.10:g.(?_119618953)_(120311467_?)del

Genes: HAO2 (hydroxyacid oxidase 2; plus strand), HMGCS2 (3-hydroxy-3-methylglutaryl-CoA synthase 2; minus strand), HSD3B1 (hydroxy-delta-5-steroid dehydrogenase, 3 beta- and steroid delta-isomerase 1; plus strand), HSD3B2 (hydroxy-delta-5-steroid dehydrogenase, 3 beta- and steroid delta-isomerase 2; plus strand), PHGDH (phosphoglycerate dehydrogenase; plus strand) and 2 more. Cytogenetic location: 1p12.
Variant type: Deletion.
Identifiers: ClinVar variation 1411990 (VCV001411990.4).